The following is an entry in ClinVar:

NM_000116.5(TAFAZZIN):c.239-6del

Gene: TAFAZZIN (tafazzin, phospholipid-lysophospholipid transacylase; plus strand). Cytogenetic location: Xq28.
Variant type: Deletion.
Coding change: c.239-6del on transcript NM_000116.5 (MANE Select); 6 bases into the intron before coding-DNA position 239, one base deleted (C; older notation c.239-6delC).
Molecular consequence: intron variant.
Genome position (GRCh38, 1-based): chrX:154,413,201, C deleted; the last of 2 consecutive C bases (chrX:154,413,200-154,413,201); deleting either gives the same sequence. VCF-style (leftmost placement, unchanged base first): chrX-154413199-TC-T. GRCh37 (hg19) VCF-style: chrX-153641536-TC-T.
Other names: c.293-6del (NM_001303465.2); c.239-6del (NM_181312.4, NM_181311.4, NM_181313.4); c.239-6delC (NM_000116.3).
Identifiers: ClinVar variation 420438 (VCV000420438.5), dbSNP rs1064794479, ClinGen allele CA16621259.

ClinVar aggregate classification (germline): Likely benign. Review status: criteria provided, multiple submitters, no conflicts (2 of 4 stars). 2 submissions from 2 submitters: Likely benign (2). Last evaluated 2023-09-29.

Conditions:
3-Methylglutaconic aciduria type 2 (BTHS). Also called: Barth syndrome; CARDIOSKELETAL MYOPATHY WITH NEUTROPENIA AND ABNORMAL MITOCHONDRIA. Identifiers: Orphanet 111, MedGen C0574083, MONDO:0010543, OMIM 302060.

Submissions (2):

Labcorp Genetics (formerly Invitae), Labcorp
Classification: Likely benign for 3-Methylglutaconic aciduria type 2. Last evaluated: 2023-09-29. Review status: criteria provided, single submitter. Criteria: Invitae Variant Classification Sherloc (09022015). Collection method: clinical testing. Allele origin: germline.

GeneDx
Classification: Likely benign. Last evaluated: 2023-07-07. Review status: criteria provided, single submitter. Criteria: GeneDx Variant Classification Process June 2021. Collection method: clinical testing. Allele origin: germline. Affected: yes.
Comment: See Variant Classification Assertion Criteria.